The following is an entry in ClinVar:

ClinVar aggregate classification (germline): Uncertain significance (1 of 4 stars; one submission).

Allele frequency attached by ClinVar (database versions not stated): TOPMed below 0.00001.

Submission:

Labcorp Genetics (formerly Invitae), Labcorp
Classification: Uncertain significance. Last evaluated: 2021-10-27. Review status: criteria provided, single submitter. Criteria: Invitae Variant Classification Sherloc (09022015). Collection method: clinical testing. Allele origin: germline.
Comment: In summary, the available evidence is currently insufficient to determine the role of this variant in disease. Therefore, it has been classified as a Variant of Uncertain Significance. Algorithms developed to predict the effect of sequence changes on RNA splicing suggest that this variant may create or strengthen a splice site. Algorithms developed to predict the effect of missense changes on protein structure and function are either unavailable or do not agree on the potential impact of this missense change (SIFT: "Not Available"; PolyPhen-2: "Possibly Damaging"; Align-GVGD: "Not Available"). This variant has not been reported in the literature in individuals affected with USB1-related conditions. This variant is not present in population databases (gnomAD no frequency). This sequence change replaces aspartic acid, a(n) acidic and polar amino acid, with glycine, a(n) neutral and non-polar amino acid, at codon 16 of the USB1 protein (p.Asp16Gly).

NM_024598.4(USB1):c.47A>G (p.Asp16Gly)

Gene: USB1 (U6 snRNA biogenesis phosphodiesterase 1; plus strand). Cytogenetic location: 16q21.
Variant type: single nucleotide variant.
Coding change: c.47A>G on transcript NM_024598.4 (MANE Select); coding-DNA position 47, A replaced by G.
Protein change: p.Asp16Gly; replaces aspartic acid 16 with glycine.
Molecular consequence: missense variant. On other transcripts: intron variant (1).
Genome position (GRCh38, 1-based): chr16:58,001,530, A>G. VCF-style: chr16-58001530-A-G. GRCh37 (hg19) VCF-style: chr16-58035434-A-G.
Other names: c.47A>G, p.Asp16Gly (NM_001195302.2, NM_001204911.2, NM_001330569.2); c.-55-949A>G (NM_001330568.2); short protein forms D16G.
Identifiers: ClinVar variation 1369431 (VCV001369431.6), dbSNP rs1335865347, ClinGen allele CA396085175.